The following is an entry in ClinVar:

ClinVar aggregate classification (germline): Uncertain significance (1 of 4 stars; one submission).

gnomAD v4.1: 5 of 1,612,994 alleles (0.00031%); highest among the groups gnomAD compares: Non-Finnish European, 0.00042%; no homozygotes.

Submission:

GeneDx
Classification: Uncertain significance. Last evaluated: 2025-05-09. Review status: criteria provided, single submitter. Criteria: GeneDx Variant Classification Process June 2021. Collection method: clinical testing. Allele origin: germline. Affected: yes.
Comment: In silico analysis suggests that this missense variant does not alter protein structure/function; Has not been previously published as pathogenic or benign to our knowledge

NM_001394998.1(TANC2):c.47G>A (p.Ser16Asn)

Gene: TANC2 (tetratricopeptide repeat, ankyrin repeat and coiled-coil containing 2; plus strand). Cytogenetic location: 17q23.2.
Variant type: single nucleotide variant.
Coding change: c.47G>A on transcript NM_001394998.1 (MANE Select); coding-DNA position 47, G replaced by A.
Protein change: p.Ser16Asn; replaces serine 16 with asparagine.
Molecular consequence: missense variant.
Genome position (GRCh38, 1-based): chr17:63,009,606, G>A. VCF-style: chr17-63009606-G-A. GRCh37 (hg19) VCF-style: chr17-61086967-G-A.
Other names: c.47G>A, p.Ser16Asn (NM_001411076.1, NM_025185.4); short protein forms S16N.
Identifiers: ClinVar variation 4528235 (VCV004528235.1).